The following is an entry in ClinVar:

NM_001089.3(ABCA3):c.1444C>T (p.Gln482Ter)

Gene: ABCA3 (ATP binding cassette subfamily A member 3; minus strand). Cytogenetic location: 16p13.3.
Variant type: single nucleotide variant.
Coding change: c.1444C>T on transcript NM_001089.3 (MANE Select); coding-DNA position 1444, C replaced by T.
Protein change: p.Gln482Ter; replaces glutamine 482 with a stop codon.
Molecular consequence: nonsense.
Genome position (GRCh38, 1-based): chr16:2,303,992, G>A on the plus strand (C>T on the coding strand, the complement: ABCA3 is on the minus strand). VCF-style: chr16-2303992-G-A. GRCh37 (hg19) VCF-style: chr16-2353993-G-A.
Other names: short protein forms Q482*.
Identifiers: ClinVar variation 1772770 (VCV001772770.3), dbSNP rs2505649915, ClinGen allele CA394337181.
Genomic context (GRCh38, chr16:2,303,992, plus strand): 5'-AGAGGCGGCGGCTCAAGAGCAGGGCATCAGAACTCACCATGATGAAGAAGTACCAGGGCT[G>A]AGGCACGCCGAACTGCCCTGGGAAGACGGCCTCCATGTACCAGGTCACCAGGCCATAGAG-3'

ClinVar aggregate classification (germline): Pathogenic. Review status: criteria provided, multiple submitters, no conflicts (2 of 4 stars). 2 submissions from 2 submitters: Pathogenic (2). Last evaluated 2025-07-15.

Conditions:
Hereditary pulmonary alveolar proteinosis. Also called: Pulmonary surfactant metabolism dysfunction. Identifiers: Orphanet 264675, MedGen C3711368, MONDO:0012580.
Interstitial lung disease due to ABCA3 deficiency. Also called: PULMONARY ALVEOLAR PROTEINOSIS, CONGENITAL, 3. Identifiers: Orphanet 440402, MedGen C1970456, MONDO:0012582, OMIM 610921.

Submissions (2):

Myriad Genetics, Inc.
Classification: Pathogenic for Interstitial lung disease due to ABCA3 deficiency. Last evaluated: 2025-07-15. Review status: criteria provided, single submitter. Criteria: Myriad Autosomal Dominant, Autosomal Recessive and X-Linked Classification Criteria (2023). Collection method: clinical testing. Allele origin: unknown.
Comment: NM_001089.2(ABCA3):c.1444C>T(Q482*) is expected to be pathogenic in the context of surfactant deficiency, ABCA3-related. This variant is predicted to lead to an abnormal or absent protein product due to the creation of a premature termination codon in ABCA3, a gene where loss-of-function variants are known to be pathogenic. Please note: this variant was assessed in the context of healthy population screening.

Ambry Genetics
Classification: Pathogenic for Hereditary pulmonary alveolar proteinosis. Last evaluated: 2017-07-01. Review status: criteria provided, single submitter. Criteria: Ambry Variant Classification Scheme 2023. Collection method: clinical testing. Allele origin: germline.
Comment: The p.Q482* pathogenic mutation (also known as c.1444C>T), located in coding exon 9 of the ABCA3 gene, results from a C to T substitution at nucleotide position 1444. This changes the amino acid from a glutamine to a stop codon within coding exon 9. This alteration is expected to result in loss of function by premature protein truncation or nonsense-mediated mRNA decay. As such, this alteration is interpreted as a disease-causing mutation.